The following is an entry in ClinVar:

ClinVar aggregate classification (germline): Uncertain significance. Review status: criteria provided, multiple submitters, no conflicts (2 of 4 stars). 2 submissions from 2 submitters: Uncertain significance (2). Last evaluated 2025-03-22.

Conditions:
CDK5RAP2-related disorder. Also called: CDK5RAP2-related condition.

Submissions (2):

PreventionGenetics, part of Exact Sciences
Classification: Uncertain significance for CDK5RAP2-related condition. Last evaluated: 2025-03-22. Review status: criteria provided, single submitter. Criteria: ACMG Guidelines, 2015. Collection method: clinical testing. Allele origin: germline.
Comment: The CDK5RAP2 c.3134G>A variant is predicted to result in the amino acid substitution p.Arg1045Lys. To our knowledge, this variant has not been reported in the literature. This variant is reported in 0.024% of alleles in individuals of African descent in gnomAD. At this time, the clinical significance of this variant is uncertain due to the absence of conclusive functional and genetic evidence.

Labcorp Genetics (formerly Invitae), Labcorp
Classification: Uncertain significance. Last evaluated: 2024-04-14. Review status: criteria provided, single submitter. Criteria: Invitae Variant Classification Sherloc (09022015). Collection method: clinical testing. Allele origin: germline.
Comment: This sequence change replaces arginine, which is basic and polar, with lysine, which is basic and polar, at codon 1045 of the CDK5RAP2 protein (p.Arg1045Lys). This variant is present in population databases (rs3780679, gnomAD 0.03%). This variant has not been reported in the literature in individuals affected with CDK5RAP2-related conditions. An algorithm developed to predict the effect of missense changes on protein structure and function (PolyPhen-2) suggests that this variant is likely to be tolerated. In summary, the available evidence is currently insufficient to determine the role of this variant in disease. Therefore, it has been classified as a Variant of Uncertain Significance.

NM_018249.6(CDK5RAP2):c.3134G>A (p.Arg1045Lys)

Gene: CDK5RAP2 (CDK5 regulatory subunit associated protein 2; minus strand). Cytogenetic location: 9q33.2.
Variant type: single nucleotide variant.
Coding change: c.3134G>A on transcript NM_018249.6 (MANE Select); coding-DNA position 3134, G replaced by A.
Protein change: p.Arg1045Lys; replaces arginine 1045 with lysine.
Molecular consequence: missense variant. On other transcripts: non-coding transcript variant (5).
Genome position (GRCh38, 1-based): chr9:120,443,634, C>T on the plus strand (G>A on the coding strand, the complement: CDK5RAP2 is on the minus strand). VCF-style: chr9-120443634-C-T. GRCh37 (hg19) VCF-style: chr9-123205912-C-T.
Other names: c.3134G>A (NM_018249.5); c.3134G>A, p.Arg1045Lys (NM_001011649.3); c.2444G>A, p.Arg815Lys (NM_001272039.2); c.3035G>A, p.Arg1012Lys (NM_001410992.1); c.3038G>A, p.Arg1013Lys (NM_001410993.1); c.3131G>A, p.Arg1044Lys (NM_001410994.1); short protein forms R1012K, R1013K, R1044K, R815K, R1045K.
Identifiers: ClinVar variation 3657045 (VCV003657045.3).
Genomic context (GRCh38, chr9:120,443,634, plus strand): 5'-CTGGCACATGGAAGCTGTTCAATACACACAGGGGCTGAATTCTGACCAATCTCGTAGCTT[C>T]TTTGCTGATCACTGTCCATTTCCTTGTCTCTCCAGACAGAAGATGTGGTTTTAATTCCTT-3'
Protein context (NP_060719.4, residues 1035-1055): RDKEMDSDQQ[Arg1045Lys]SYEIDSEICP